The following is an entry in ClinVar:

ClinVar aggregate classification (germline): Pathogenic. Review status: reviewed by expert panel (3 of 4 stars). 6 submissions from 6 submitters: Pathogenic (1). 5 of the submissions do not count toward it. Last evaluated 2025-07-29.

Conditions:
Miyoshi muscular dystrophy 1 (MMD1). Identifiers: Orphanet 45448, MedGen C4551973, MONDO:0024545, OMIM 254130.
Autosomal recessive limb-girdle muscular dystrophy type 2B (LGMDR2). Also called: MUSCULAR DYSTROPHY, LIMB-GIRDLE, AUTOSOMAL RECESSIVE 2; MUSCULAR DYSTROPHY, LIMB-GIRDLE, TYPE 3; Limb-girdle muscular dystrophy, type 2B; Limb-Girdle Muscular Dystrophy Type 2B (LGMD2B). Identifiers: Orphanet 268, MedGen C1850889, MONDO:0009676, OMIM 253601.
Distal myopathy with anterior tibial onset. Identifiers: Orphanet 178400, MedGen C1847532, MONDO:0011721, OMIM 606768.
Autosomal recessive limb-girdle muscular dystrophy. Identifiers: Orphanet 102015, MedGen C2931907, MONDO:0015152.
Neuromuscular disease caused by qualitative or quantitative defects of dysferlin. Also called: Dysferlinopathy; Qualitative or quantitative defects of dysferlin. Identifiers: Orphanet 207073, MedGen C2931687, MONDO:0016145.

Submissions (6):

ClinGen Limb Girdle Muscular Dystrophy Variant Curation Expert Panel, ClinGen
Classification: Pathogenic for Autosomal recessive limb-girdle muscular dystrophy. Last evaluated: 2025-07-29. Review status: reviewed by expert panel. Criteria: ClinGen LGMD VCEP ACMG Specifications DYSF V1.0.0. Collection method: curation. Allele origin: germline. Inheritance: Autosomal recessive inheritance.
Comment: The NM_003494.4: c.2496_2499del p.(Thr833SerfsTer3) variant in DYSF, which is also known as NM_001130987.2: c.2550_2553del p.(Thr851SerfsTer3), is a frameshift variant predicted to cause a premature stop codon in biologically relevant exon 24/55, leading to nonsense mediated decay in a gene in which loss of function is an established disease mechanism (PVS1). This variant has been reported in at least three patients with signs of LGMD, including in a homozygous state in one patient without reported familial consanguinity (0.5 pts, PMID: 21522182) and in unknown phase with a pathogenic variant (NM_003494.4: c.5668-7G>A, 0.5 pts, PMID: 36983702) (PM3). At least one patient with this variant had a second presumed diagnostic variant in DYSF and displayed progressive limb girdle muscle weakness and significantly reduced dysferlin expression in skeletal muscle or blood monocytes, which is highly specific for DYSF-associated LGMD (PP4_Strong). The filtering allele frequency for this variant is 0.000006973 in gnomAD v4.1.0 exomes (the upper threshold of the 95% CI of 3/1112012 European (non-Finnish) chromosomes), which is less than the ClinGen LGMD VCEP threshold (≤0.0001) (PM2_Supporting). In summary, this variant meets the criteria to be classified as Pathogenic for autosomal recessive limb girdle muscular dystrophy based on the ACMG/AMP criteria applied, as specified by the ClinGen LGMD VCEP (LGMD VCEP specifications version 1.0.0; 07/29/2025): PVS1, PM3, PP4_Strong, PM2_Supporting.

Natera, Inc.
Classification: Pathogenic for Limb-girdle muscular dystrophy type 2B. Last evaluated: 2025-08-08. Review status: criteria provided, single submitter. Criteria: Natera Variant Classification Schema (03/2026). Collection method: clinical testing. Allele origin: germline. Not counted in ClinVar's aggregate classification.
Comment: The c.2496_2499del variant in DYSF is a frameshift variant predicted to shift the reading frame beginning at codon 833 and leads to a stop codon 3 codons downstream. This variant is expected to result in nonsense mediated decay, truncation, or a dysfunctional protein product. This variant is rare in the general population with a frequency below the threshold expected for the associated phenotype(s). This variant has been observed in one or more individuals affected with the associated recessive disease, as either homozygous or compound heterozygous with a second variant (PMID: 25987458). Given the available evidence, this variant is classified as Pathogenic.

Fulgent Genetics
Classification: Pathogenic for Autosomal recessive limb-girdle muscular dystrophy type 2B; Miyoshi muscular dystrophy 1; Distal myopathy with anterior tibial onset. Last evaluated: 2024-05-02. Review status: criteria provided, single submitter. Criteria: ACMG Guidelines, 2015. Collection method: clinical testing. Allele origin: germline. Not counted in ClinVar's aggregate classification.

Labcorp Genetics (formerly Invitae), Labcorp
Classification: Pathogenic for Neuromuscular disease caused by qualitative or quantitative defects of dysferlin. Last evaluated: 2023-11-13. Review status: criteria provided, single submitter. Criteria: Invitae Variant Classification Sherloc (09022015). Collection method: clinical testing. Allele origin: germline. Not counted in ClinVar's aggregate classification.
Comment: This sequence change creates a premature translational stop signal (p.Thr833Serfs*3) in the DYSF gene. It is expected to result in an absent or disrupted protein product. Loss-of-function variants in DYSF are known to be pathogenic (PMID: 17698709, 20301480). This variant is present in population databases (rs755849745, gnomAD 0.0009%). This premature translational stop signal has been observed in individual(s) with limb-girdle muscular dystrophy and/or Miyoshi myopathy (PMID: 17994539, 21522182). ClinVar contains an entry for this variant (Variation ID: 496872). For these reasons, this variant has been classified as Pathogenic.

Baylor Genetics
Classification: Pathogenic for Miyoshi muscular dystrophy 1. Last evaluated: 2023-06-13. Review status: criteria provided, single submitter. Criteria: ACMG Guidelines, 2015. Collection method: clinical testing. Allele origin: unknown. Not counted in ClinVar's aggregate classification.

Eurofins Ntd Llc (ga)
Classification: Pathogenic. Last evaluated: 2017-04-19. Review status: criteria provided, single submitter. Criteria: EGL Classification Definitions 2015. Collection method: clinical testing. Allele origin: germline. Observed: 2 variant alleles, 2 heterozygotes. Not counted in ClinVar's aggregate classification.

Literature cited by the submitters: PubMed 25987458 (cited by Natera, Inc.); PubMed 17698709 (cited by Labcorp Genetics (formerly Invitae), Labcorp); PubMed 20301480 (cited by Labcorp Genetics (formerly Invitae), Labcorp); PubMed 17994539 (cited by Labcorp Genetics (formerly Invitae), Labcorp); PubMed 21522182 (cited by Labcorp Genetics (formerly Invitae), Labcorp and Eurofins Ntd Llc (ga)).

NM_001130987.2(DYSF):c.2550_2553del (p.Thr851fs)

Gene: DYSF (dysferlin; plus strand). Cytogenetic location: 2p13.2.
Variant type: Deletion.
Coding change: c.2550_2553del on transcript NM_001130987.2 (MANE Select); coding-DNA positions 2550 to 2553, 4 bases deleted (GACA; older notation c.2550_2553delGACA).
Protein change: p.Thr851fs; shifts the reading frame from threonine 851.
Molecular consequence: frameshift variant.
Genome position (GRCh38, 1-based): chr2:71,564,198-71,564,201, GACA deleted; deleting any 4 consecutive bases within chr2:71,564,195-71,564,201 gives the same sequence; the c. name uses the placement nearest the transcript's 3' end. VCF-style (leftmost placement, unchanged base first): chr2-71564194-TACAG-T. GRCh37 (hg19) VCF-style: chr2-71791324-TACAG-T.
Other names: NM_001130987.2(DYSF):c.2550_2553del; p.Thr851fs; c.2499_2502del, p.Thr834fs (NM_001130455.2, NM_001130983.2); c.2454_2457del, p.Thr819fs (NM_001130976.2, NM_001130977.2); c.2496_2499del, p.Thr833fs (NM_001130978.2, NM_003494.4); c.2589_2592del, p.Thr864fs (NM_001130979.2); c.2547_2550del, p.Thr850fs (NM_001130980.2, NM_001130981.2); c.2592_2595del, p.Thr865fs (NM_001130982.2); and 2 more; short protein forms T819fs, T820fs, T834fs, T851fs, T864fs, T833fs, T850fs, T865fs.
Identifiers: ClinVar variation 496872 (VCV000496872.18), dbSNP rs755849745, ClinGen allele CA1706197.